The following is an entry in ClinVar:

ClinVar aggregate classification (germline): Uncertain significance. Review status: criteria provided, multiple submitters, no conflicts (2 of 4 stars). 3 submissions from 3 submitters: Uncertain significance (3). Last evaluated 2025-01-19.

Conditions:
Inborn genetic diseases. Identifiers: MedGen C0950123, MeSH D030342.
Pityriasis rubra pilaris (PRP). Also called: Pityriasis rubra pilaris--familial type. Identifiers: Orphanet 2897, MedGen C0032027, MONDO:0100017, OMIM 173200, MONDO:0008251.
Psoriasis 2. Identifiers: MedGen C1864497, MONDO:0011269, OMIM 602723.
Autoinflammatory syndrome. Identifiers: Orphanet 93665, MedGen C3890737, MONDO:0019751.

Allele frequency attached by ClinVar (database versions not stated): TOPMed 0.00001; gnomAD 0.00002; gnomAD exomes 0.00005; ExAC 0.00015; 1000 Genomes Project 30x 0.00016; 1000 Genomes Project 0.00020.
gnomAD v4.1: 50 of 1,568,974 alleles (0.0032%); highest among the groups gnomAD compares: East Asian, 0.007%; no homozygotes.

Submissions (3):

Ambry Genetics
Classification: Uncertain significance for Inborn genetic diseases. Last evaluated: 2025-01-19. Review status: criteria provided, single submitter. Criteria: Ambry Variant Classification Scheme 2023. Collection method: clinical testing. Allele origin: germline.

Labcorp Genetics (formerly Invitae), Labcorp
Classification: Uncertain significance for Pityriasis rubra pilaris; Psoriasis 2. Last evaluated: 2024-05-14. Review status: criteria provided, single submitter. Criteria: Invitae Variant Classification Sherloc (09022015). Collection method: clinical testing. Allele origin: germline.
Comment: This sequence change replaces glycine, which is neutral and non-polar, with arginine, which is basic and polar, at codon 881 of the CARD14 protein (p.Gly881Arg). This variant is present in population databases (rs548495951, gnomAD 0.008%). This variant has not been reported in the literature in individuals affected with CARD14-related conditions. ClinVar contains an entry for this variant (Variation ID: 527870). Advanced modeling of protein sequence and biophysical properties (such as structural, functional, and spatial information, amino acid conservation, physicochemical variation, residue mobility, and thermodynamic stability) performed at Invitae indicates that this missense variant is not expected to disrupt CARD14 protein function with a negative predictive value of 80%. In summary, the available evidence is currently insufficient to determine the role of this variant in disease. Therefore, it has been classified as a Variant of Uncertain Significance.

Genome Diagnostics Laboratory, The Hospital for Sick Children
Classification: Uncertain significance for Autoinflammatory syndrome. Last evaluated: 2020-11-02. Review status: criteria provided, single submitter. Criteria: ACMG Guidelines, 2015. Collection method: clinical testing. Allele origin: germline. Affected: yes.

NM_001366385.1(CARD14):c.2641G>A (p.Gly881Arg)

Genes: CARD14 (caspase recruitment domain family member 14; plus strand), SGSH (N-sulfoglucosamine sulfohydrolase; minus strand), LOC126862662 (MED14-independent group 3 enhancer GRCh37_chr17:78178385-78179584; plus strand). Cytogenetic location: 17q25.3.
Variant type: single nucleotide variant.
Coding change: c.2641G>A on transcript NM_001366385.1 (MANE Select); coding-DNA position 2641, G replaced by A.
Protein change: p.Gly881Arg; replaces glycine 881 with arginine.
Molecular consequence: missense variant. On other transcripts: non-coding transcript variant (1).
Genome position (GRCh38, 1-based): chr17:80,205,602, G>A. VCF-style: chr17-80205602-G-A. GRCh37 (hg19) VCF-style: chr17-78179401-G-A.
Other names: c.2641G>A (NM_024110.3); c.2641G>A, p.Gly881Arg (NM_024110.4); short protein forms G881R.
Identifiers: ClinVar variation 527870 (VCV000527870.13), dbSNP rs548495951, ClinGen allele CA8817398.
Genomic context (GRCh38, chr17:80,205,602, plus strand): 5'-CAGGAGGAGTATGAGGCCTGGAGCCAGAGAGGGGACATCATCCAGGAGGGAGAGGTGTCC[G>A]GGGGCCGCTGCTGGGTGACCCGCCATGCTGTGGAGTCCCTCATGGAAAAGGTGAGGTCAA-3'
Protein context (NP_001353314.1, residues 871-891): GDIIQEGEVS[Gly881Arg]GRCWVTRHAV